The following is an entry in ClinVar:

NM_001378156.1(C1QB):c.61G>A (p.Asp21Asn)

Gene: C1QB (complement C1q B chain; plus strand). Cytogenetic location: 1p36.12.
Variant type: single nucleotide variant.
Coding change: c.61G>A on transcript NM_001378156.1 (MANE Select); coding-DNA position 61, G replaced by A.
Protein change: p.Asp21Asn; replaces aspartic acid 21 with asparagine.
Molecular consequence: missense variant.
Genome position (GRCh38, 1-based): chr1:22,659,523, G>A. VCF-style: chr1-22659523-G-A. GRCh37 (hg19) VCF-style: chr1-22986016-G-A.
Other names: c.67G>A (NM_000491.3, NM_000491.4); c.67G>A, p.Asp23Asn (NM_000491.5); c.61G>A, p.Asp21Asn (NM_001371184.3); short protein forms D21N, D23N.
Identifiers: ClinVar variation 1020369 (VCV001020369.11), dbSNP rs555943495, ClinGen allele CA678084.
Genomic context (GRCh38, chr1:22,659,523, plus strand): 5'-ATGAAGATCCCATGGGGCAGCATCCCAGTACTGATGTTGCTCCTGCTCCTGGGCCTAATC[G>A]ATATCTCCCAGGCCCAGCTCAGCTGCACCGGGCCCCCAGCCATCCCTGGCATCCCGGGTA-3'
Protein context (NP_001365085.1, residues 11-31): LMLLLLLGLI[Asp21Asn]ISQAQLSCTG

ClinVar aggregate classification (germline): Uncertain significance. Review status: criteria provided, multiple submitters, no conflicts (2 of 4 stars). 3 submissions from 3 submitters: Uncertain significance (3). Last evaluated 2024-05-23.

Conditions:
Inborn genetic diseases. Identifiers: MedGen C0950123, MeSH D030342.
C1Q deficiency 2. Identifiers: MedGen C5830422, MONDO:0958187, OMIM 620321.

Allele frequency attached by ClinVar (database versions not stated): TOPMed 0.00003.
gnomAD v4.1: 57 of 1,613,884 alleles (0.0035%); highest among the groups gnomAD compares: Non-Finnish European, 0.0044%; no homozygotes.

Submissions (3):

Fulgent Genetics
Classification: Uncertain significance for C1Q deficiency 2. Last evaluated: 2024-05-23. Review status: criteria provided, single submitter. Criteria: ACMG Guidelines, 2015. Collection method: clinical testing. Allele origin: germline.

Ambry Genetics
Classification: Uncertain significance for Inborn genetic diseases. Last evaluated: 2023-01-20. Review status: criteria provided, single submitter. Criteria: Ambry Variant Classification Scheme 2023. Collection method: clinical testing. Allele origin: germline.

Labcorp Genetics (formerly Invitae), Labcorp
Classification: Uncertain significance. Last evaluated: 2020-12-05. Review status: criteria provided, single submitter. Criteria: Invitae Variant Classification Sherloc (09022015). Collection method: clinical testing. Allele origin: germline.
Comment: In summary, the available evidence is currently insufficient to determine the role of this variant in disease. Therefore, it has been classified as a Variant of Uncertain Significance. Algorithms developed to predict the effect of missense changes on protein structure and function (SIFT, PolyPhen-2, Align-GVGD) all suggest that this variant is likely to be tolerated, but these predictions have not been confirmed by published functional studies and their clinical significance is uncertain. This variant has not been reported in the literature in individuals with C1QB-related conditions. This variant is present in population databases (rs555943495, ExAC 0.02%). This sequence change replaces aspartic acid with asparagine at codon 23 of the C1QB protein (p.Asp23Asn). The aspartic acid residue is weakly conserved and there is a small physicochemical difference between aspartic acid and asparagine.